The following is an entry in ClinVar:

NM_198253.3(TERT):c.2654+6G>A

Gene: TERT (telomerase reverse transcriptase; minus strand). Cytogenetic location: 5p15.33.
Variant type: single nucleotide variant.
Coding change: c.2654+6G>A on transcript NM_198253.3 (MANE Select); 6 bases into the intron after coding-DNA position 2654, G replaced by A.
Molecular consequence: intron variant.
Genome position (GRCh38, 1-based): chr5:1,266,458, C>T on the plus strand (G>A on the coding strand, the complement: TERT is on the minus strand). VCF-style: chr5-1266458-C-T. GRCh37 (hg19) VCF-style: chr5-1266573-C-T.
Other names: c.2654+6G>A (NM_001193376.3).
Identifiers: ClinVar variation 2203285 (VCV002203285.4), dbSNP rs765264583, ClinGen allele CA3184438.

ClinVar aggregate classification (germline): Uncertain significance (1 of 4 stars; one submission).

Conditions:
Dyskeratosis congenita, autosomal dominant 2. Identifiers: MedGen C3151443, MONDO:0013521, OMIM 613989.
Idiopathic Pulmonary Fibrosis. Also called: Idiopathic fibrosing alveolitis, chronic form; idiopathic fibrosing alveolitis. Identifiers: Orphanet 2032, MedGen C1800706, MeSH D054990, MONDO:0800504.

Allele frequency attached by ClinVar (database versions not stated): gnomAD exomes below 0.00001; ExAC 0.00001.
gnomAD v4.1: 1 of 1,605,540 alleles (0.000062%); no homozygotes.

Submission:

Labcorp Genetics (formerly Invitae), Labcorp
Classification: Uncertain significance for Dyskeratosis congenita, autosomal dominant 2; Idiopathic Pulmonary Fibrosis. Last evaluated: 2024-07-16. Review status: criteria provided, single submitter. Criteria: Invitae Variant Classification Sherloc (09022015). Collection method: clinical testing. Allele origin: germline.
Comment: This sequence change falls in intron 10 of the TERT gene. It does not directly change the encoded amino acid sequence of the TERT protein. It affects a nucleotide within the consensus splice site. The frequency data for this variant in the population databases is considered unreliable, as metrics indicate poor data quality at this position in the gnomAD database. This variant has not been reported in the literature in individuals affected with TERT-related conditions. ClinVar contains an entry for this variant (Variation ID: 2203285). Variants that disrupt the consensus splice site are a relatively common cause of aberrant splicing (PMID: 17576681, 9536098). Algorithms developed to predict the effect of sequence changes on RNA splicing suggest that this variant is not likely to affect RNA splicing. In summary, the available evidence is currently insufficient to determine the role of this variant in disease. Therefore, it has been classified as a Variant of Uncertain Significance.

Literature cited by the submitters: PubMed 17576681; PubMed 9536098.